The following is an entry in ClinVar:

NM_173660.5(DOK7):c.1444G>T (p.Ala482Ser)

Gene: DOK7 (docking protein 7; plus strand). Cytogenetic location: 4p16.3.
Variant type: single nucleotide variant.
Coding change: c.1444G>T on transcript NM_173660.5 (MANE Select); coding-DNA position 1444, G replaced by T.
Protein change: p.Ala482Ser; replaces alanine 482 with serine.
Molecular consequence: missense variant. On other transcripts: 3 prime UTR variant (1).
Genome position (GRCh38, 1-based): chr4:3,493,430, G>T. VCF-style: chr4-3493430-G-T. GRCh37 (hg19) VCF-style: chr4-3495157-G-T.
Other names: c.*665G>T (NM_001164673.2); c.514G>T, p.Ala172Ser (NM_001256896.2); c.1444G>T, p.Ala482Ser (NM_001301071.2); c.1012G>T, p.Ala338Ser (NM_001363811.2); short protein forms A338S, A482S, A172S.
Identifiers: ClinVar variation 2013275 (VCV002013275.4), dbSNP rs774629109, ClinGen allele CA356117979.

ClinVar aggregate classification (germline): Uncertain significance (1 of 4 stars; one submission).

Conditions:
Fetal akinesia deformation sequence 1 (FADS1). Also called: Pena-Shokeir syndrome type I; Fetal akinesia sequence. Identifiers: Orphanet 994, MedGen C1276035, MONDO:0100101, OMIM 208150, HP:0001989.
Congenital myasthenic syndrome 10. Also called: Myasthenia, limb-girdle, familial. Identifiers: Orphanet 590, MedGen C1850792, MONDO:0009690, OMIM 254300.

gnomAD v4.1: 2 of 1,603,714 alleles (0.00012%); highest among the groups gnomAD compares: African/African-American, 0.0013%; no homozygotes.

Submission:

Labcorp Genetics (formerly Invitae), Labcorp
Classification: Uncertain significance for Congenital myasthenic syndrome 10; Fetal akinesia deformation sequence 1. Last evaluated: 2022-10-24. Review status: criteria provided, single submitter. Criteria: Invitae Variant Classification Sherloc (09022015). Collection method: clinical testing. Allele origin: germline.
Comment: This sequence change replaces alanine, which is neutral and non-polar, with serine, which is neutral and polar, at codon 482 of the DOK7 protein (p.Ala482Ser). This variant is not present in population databases (gnomAD no frequency). This variant has not been reported in the literature in individuals affected with DOK7-related conditions. Algorithms developed to predict the effect of missense changes on protein structure and function (SIFT, PolyPhen-2, Align-GVGD) all suggest that this variant is likely to be tolerated. In summary, the available evidence is currently insufficient to determine the role of this variant in disease. Therefore, it has been classified as a Variant of Uncertain Significance.